The following is an entry in ClinVar:

NM_001018115.3(FANCD2):c.3441T>C (p.Ala1147=)

Genes: FANCD2 (FA complementation group D2; plus strand), FANCD2OS (FANCD2 opposite strand; minus strand). Cytogenetic location: 3p25.3.
Variant type: single nucleotide variant.
Coding change: c.3441T>C on transcript NM_001018115.3 (MANE Select); coding-DNA position 3441, T replaced by C.
Protein change: p.Ala1147=; no amino-acid change (alanine 1147 retained).
Molecular consequence: synonymous variant. On other transcripts: intron variant (1).
Genome position (GRCh38, 1-based): chr3:10,087,239, T>C. VCF-style: chr3-10087239-T-C. GRCh37 (hg19) VCF-style: chr3-10128923-T-C.
Other names: c.3441T>C, p.Ala1147= (NM_001319984.2, NM_001374254.1, NM_033084.6); c.3330T>C, p.Ala1110= (NM_001374253.1); c.*44-5708A>G (NM_173472.2).
Identifiers: ClinVar variation 699707 (VCV000699707.25), dbSNP rs533541893, ClinGen allele CA2250380.

ClinVar aggregate classification (germline): Likely benign. Review status: criteria provided, multiple submitters, no conflicts (2 of 4 stars). 3 submissions from 3 submitters: Likely benign (3). Last evaluated 2025-11-06.

Conditions:
Fanconi anemia (FA). Also called: Fanconi's anemia. Identifiers: Orphanet 84, MedGen C0015625, MeSH D005199, MONDO:0019391.
Fanconi anemia complementation group D2. Also called: FANCD2-Related Fanconi Anemia; FANCONI PANCYTOPENIA, TYPE 4; FANCONI ANEMIA, COMPLEMENTATION GROUP D. Identifiers: Orphanet 84, MedGen C3160738, MONDO:0009214, OMIM 227646.

Allele frequency attached by ClinVar (database versions not stated): gnomAD exomes 0.00001 and 0.00002; ExAC 0.00006; gnomAD 0.00003 and 0.00001; 1000 Genomes Project 30x 0.00047; TOPMed 0.00001; 1000 Genomes Project 0.00040.
gnomAD v4.1: 16 of 1,613,508 alleles (0.00099%); highest among the groups gnomAD compares: Admixed American, 0.023%; no homozygotes.

Submissions (3):

Labcorp Genetics (formerly Invitae), Labcorp
Classification: Likely benign for Fanconi anemia. Last evaluated: 2025-11-06. Review status: criteria provided, single submitter. Criteria: Invitae Variant Classification Sherloc (09022015). Collection method: clinical testing. Allele origin: germline.

CeGaT Center for Human Genetics Tuebingen
Classification: Likely benign. Last evaluated: 2025-02-01. Review status: criteria provided, single submitter. Criteria: CeGaT Center For Human Genetics Tuebingen Variant Classification Criteria Version 2. Collection method: clinical testing. Allele origin: germline. Affected: yes. Observed: 1 variant allele.
Comment: FANCD2: BP4, BP7

Fulgent Genetics
Classification: Likely benign for Fanconi anemia complementation group D2. Last evaluated: 2022-05-14. Review status: criteria provided, single submitter. Criteria: ACMG Guidelines, 2015. Collection method: clinical testing. Allele origin: unknown.